The following is an entry in ClinVar:

ClinVar aggregate classification (germline): Uncertain significance. Review status: criteria provided, multiple submitters, no conflicts (2 of 4 stars). 2 submissions from 2 submitters: Uncertain significance (2). Last evaluated 2023-05-02.

Conditions:
Hereditary cancer-predisposing syndrome. Also called: Hereditary Cancer Syndrome; Hereditary neoplastic syndrome; Neoplastic Syndromes, Hereditary; Tumor predisposition. Identifiers: Orphanet 140162, MedGen C0027672, MeSH D009386, MONDO:0015356.

Allele frequency attached by ClinVar (database versions not stated): gnomAD 0.00001.

Submissions (2):

Ambry Genetics
Classification: Uncertain significance for Hereditary cancer-predisposing syndrome. Last evaluated: 2023-05-02. Review status: criteria provided, single submitter. Criteria: Ambry Variant Classification Scheme 2023. Collection method: clinical testing. Allele origin: germline.
Comment: The p.E834Q variant (also known as c.2500G>C), located in coding exon 16 of the ATM gene, results from a G to C substitution at nucleotide position 2500. The glutamic acid at codon 834 is replaced by glutamine, an amino acid with highly similar properties. This amino acid position is conserved. In addition, this alteration is predicted to be tolerated by in silico analysis. Since supporting evidence is limited at this time, the clinical significance of this alteration remains unclear.

Sema4
Classification: Uncertain significance for Hereditary cancer-predisposing syndrome. Last evaluated: 2021-07-02. Review status: criteria provided, single submitter. Criteria: Sema4 Curation Guidelines. Collection method: curation. Allele origin: germline.
Comment: To the best of our knowledge, the ATM c.2500G>C (p.E834Q) has not been reported in individuals with ATM-related disease. It was not observed in the large and broad cohorts of the Genome Aggregation Database (PMID: 32461654). The variant has not been reported in ClinVar. In silico tools suggest the impact of the variant on protein function is benign, though these predictions have not been confirmed by functional studies. The evidence is insufficient to meet ACMG/AMP criteria for classifying the variant as benign or pathogenic. Thus, the clinical significance of this variant is currently uncertain.

NM_000051.4(ATM):c.2500G>C (p.Glu834Gln)

Gene: ATM (ATM serine/threonine kinase; plus strand). Cytogenetic location: 11q22.3.
Variant type: single nucleotide variant.
Coding change: c.2500G>C on transcript NM_000051.4 (MANE Select); coding-DNA position 2500, G replaced by C.
Protein change: p.Glu834Gln; replaces glutamic acid 834 with glutamine.
Molecular consequence: missense variant.
Genome position (GRCh38, 1-based): chr11:108,267,204, G>C. VCF-style: chr11-108267204-G-C. GRCh37 (hg19) VCF-style: chr11-108137931-G-C.
Other names: c.2500G>C, p.Glu834Gln (NM_001351834.2); short protein forms E834Q.
Identifiers: ClinVar variation 1692572 (VCV001692572.3), dbSNP rs876660430, ClinGen allele CA382543297.